The following is an entry in ClinVar:

ClinVar aggregate classification (germline): Likely benign. Review status: criteria provided, multiple submitters, no conflicts (2 of 4 stars). 2 submissions from 2 submitters: Likely benign (2). Last evaluated 2018-06-14.

Allele frequency attached by ClinVar (database versions not stated): 1000 Genomes Project 0.03874; gnomAD 0.03929 and 0.03990; 1000 Genomes Project 30x 0.03951; TOPMed 0.04007; gnomAD exomes 0.04984.
gnomAD v4.1: 57,567 of 1,181,814 alleles (4.9%); highest among the groups gnomAD compares: South Asian, 7.2%; 1,686 homozygotes.

Submissions (2):

GeneDx
Classification: Likely benign. Last evaluated: 2018-06-14. Review status: criteria provided, single submitter. Criteria: GeneDx Variant Classification (06012015). Collection method: clinical testing. Allele origin: germline. Affected: yes.
Comment: This variant is considered likely benign or benign based on one or more of the following criteria: it is a conservative change, it occurs at a poorly conserved position in the protein, it is predicted to be benign by multiple in silico algorithms, and/or has population frequency not consistent with disease.

Breakthrough Genomics
Classification: Likely benign. Review status: criteria provided, single submitter. Criteria: ACMG Guidelines, 2015. Collection method: not provided. Allele origin: germline. Inheritance: Autosomal recessive inheritance. Affected: yes.

NM_033109.5(PNPT1):c.565+90C>T

Gene: PNPT1 (polyribonucleotide nucleotidyltransferase 1; minus strand). Cytogenetic location: 2p16.1.
Variant type: single nucleotide variant.
Coding change: c.565+90C>T on transcript NM_033109.5 (MANE Select); 90 bases into the intron after coding-DNA position 565, C replaced by T.
Molecular consequence: intron variant.
Genome position (GRCh38, 1-based): chr2:55,680,622, G>A on the plus strand (C>T on the coding strand, the complement: PNPT1 is on the minus strand). VCF-style: chr2-55680622-G-A. GRCh37 (hg19) VCF-style: chr2-55907757-G-A.
Identifiers: ClinVar variation 676344 (VCV000676344.2), dbSNP rs17744399, ClinGen allele CA11318882.